The following is an entry in ClinVar:

NM_000458.4(HNF1B):c.499G>C (p.Ala167Pro)

Gene: HNF1B (HNF1 homeobox B; minus strand). Cytogenetic location: 17q12.
Variant type: single nucleotide variant.
Coding change: c.499G>C on transcript NM_000458.4 (MANE Select); coding-DNA position 499, G replaced by C.
Protein change: p.Ala167Pro; replaces alanine 167 with proline.
Molecular consequence: missense variant.
Genome position (GRCh38, 1-based): chr17:37,739,485, C>G on the plus strand (G>C on the coding strand, the complement: HNF1B is on the minus strand). VCF-style: chr17-37739485-C-G. GRCh37 (hg19) VCF-style: chr17-36099476-C-G.
Other names: c.499G>C, p.Ala167Pro (NM_001165923.4, NM_001304286.2); short protein forms A167P.
Identifiers: ClinVar variation 549546 (VCV000549546.2), dbSNP rs757452269, ClinGen allele CA398751228.

ClinVar aggregate classification (germline): Uncertain significance (1 of 4 stars; one submission).

Conditions:
Monogenic diabetes. Identifiers: Orphanet 183625, MedGen C3888631, MONDO:0015967.

Submission:

Personalized Diabetes Medicine Program, University of Maryland School of Medicine
Classification: Uncertain significance for Monogenic diabetes. Last evaluated: 2017-06-26. Review status: criteria provided, single submitter. Criteria: ACMG Guidelines, 2015. Collection method: research. Allele origin: unknown. Observed: 1 variant allele, 1 heterozygote. Study: Personalized Diabetes Medicine Program.
Comment: ACMG Criteria:PP3 (9 predictors), PM2 (absent in database)